The following is an entry in ClinVar:

NM_018714.3(COG1):c.2822G>A (p.Arg941His)

Genes: VCF1 (VCP nuclear cofactor family member 1; minus strand), COG1 (component of oligomeric golgi complex 1; plus strand). Cytogenetic location: 17q25.1.
Variant type: single nucleotide variant.
Coding change: c.2822G>A on transcript NM_018714.3 (MANE Select); coding-DNA position 2822, G replaced by A.
Protein change: p.Arg941His; replaces arginine 941 with histidine.
Molecular consequence: missense variant. On other transcripts: 3 prime UTR variant (5).
Genome position (GRCh38, 1-based): chr17:73,208,330, G>A. VCF-style: chr17-73208330-G-A. GRCh37 (hg19) VCF-style: chr17-71204469-G-A.
Other names: c.*1199C>T (NM_001098832.2, NM_001289412.2, NM_032837.3); c.*1348C>T (NM_001289410.1, NM_001289411.1); short protein forms R941H.
Identifiers: ClinVar variation 967871 (VCV000967871.9), dbSNP rs759050295, ClinGen allele CA8740680.

ClinVar aggregate classification (germline): Conflicting classifications of pathogenicity. Review status: criteria provided, conflicting classifications (1 of 4 stars). 2 submissions from 2 submitters: Uncertain significance (1); Likely benign (1). Last evaluated 2025-08-06.

Conditions:
Inborn genetic diseases. Identifiers: MedGen C0950123, MeSH D030342.
COG1 congenital disorder of glycosylation (CDG2G). Also called: CONGENITAL DISORDER OF GLYCOSYLATION, TYPE IIg; CDG IIg; CDGII/COG1 CEREBROCOSTOMANDIBULAR-LIKE SYNDROME. Identifiers: Orphanet 263508, MedGen C2931011, MONDO:0012637, OMIM 611209.

Allele frequency attached by ClinVar (database versions not stated): gnomAD 0.00009 and 0.00010; TOPMed 0.00009; ExAC 0.00002; gnomAD exomes 0.00005 and 0.00007.
gnomAD v4.1: 127 of 1,613,794 alleles (0.0079%); highest among the groups gnomAD compares: Admixed American, 0.027%; no homozygotes.

Submissions (2):

Ambry Genetics
Classification: Likely benign for Inborn genetic diseases. Last evaluated: 2025-08-06. Review status: criteria provided, single submitter. Criteria: Ambry Variant Classification Scheme 2023. Collection method: clinical testing. Allele origin: germline.

Labcorp Genetics (formerly Invitae), Labcorp
Classification: Uncertain significance for COG1 congenital disorder of glycosylation. Last evaluated: 2024-02-17. Review status: criteria provided, single submitter. Criteria: Invitae Variant Classification Sherloc (09022015). Collection method: clinical testing. Allele origin: germline.
Comment: This sequence change replaces arginine, which is basic and polar, with histidine, which is basic and polar, at codon 941 of the COG1 protein (p.Arg941His). This variant is present in population databases (rs759050295, gnomAD 0.02%). This variant has not been reported in the literature in individuals affected with COG1-related conditions. ClinVar contains an entry for this variant (Variation ID: 967871). Algorithms developed to predict the effect of missense changes on protein structure and function output the following: SIFT: "Not Available"; PolyPhen-2: "Benign"; Align-GVGD: "Not Available". The histidine amino acid residue is found in multiple mammalian species, which suggests that this missense change does not adversely affect protein function. In summary, the available evidence is currently insufficient to determine the role of this variant in disease. Therefore, it has been classified as a Variant of Uncertain Significance.